The following is an entry in ClinVar:

NM_002834.5(PTPN11):c.868G>C (p.Val290Leu)

Gene: PTPN11 (protein tyrosine phosphatase non-receptor type 11; plus strand). Cytogenetic location: 12q24.13.
Variant type: single nucleotide variant.
Coding change: c.868G>C on transcript NM_002834.5 (MANE Select); coding-DNA position 868, G replaced by C.
Protein change: p.Val290Leu; replaces valine 290 with leucine.
Molecular consequence: missense variant.
Genome position (GRCh38, 1-based): chr12:112,477,665, G>C. VCF-style: chr12-112477665-G-C. GRCh37 (hg19) VCF-style: chr12-112915469-G-C.
Other names: c.868G>C, p.Val290Leu (NM_001330437.2, NM_080601.3); c.865G>C, p.Val289Leu (NM_001374625.1); short protein forms V289L, V290L.
Identifiers: ClinVar variation 2503324 (VCV002503324.1), dbSNP rs1555269782, ClinGen allele CA386790492.

ClinVar aggregate classification (germline): Uncertain significance (1 of 4 stars; one submission).

Submission:

GeneDx
Classification: Uncertain significance. Last evaluated: 2022-11-23. Review status: criteria provided, single submitter. Criteria: GeneDx Variant Classification Process June 2021. Collection method: clinical testing. Allele origin: germline. Affected: yes.
Comment: Not observed at significant frequency in large population cohorts (gnomAD); Missense variants in this gene are often considered pathogenic (HGMD); In silico analysis supports that this missense variant has a deleterious effect on protein structure/function; Has not been previously published as pathogenic or benign to our knowledge; This variant is associated with the following publications: (PMID: 24077912, 29493581)